The following is an entry in ClinVar:

ClinVar aggregate classification (germline): Likely benign. Review status: criteria provided, multiple submitters, no conflicts (2 of 4 stars). 3 submissions from 3 submitters: Likely benign (3). Last evaluated 2026-04-01.

Allele frequency attached by ClinVar (database versions not stated): gnomAD 0.00006; TOPMed 0.00007; ExAC 0.00008; gnomAD exomes 0.00008; ESP Exome Variant Server 0.00023.
gnomAD v4.1: 165 of 1,613,814 alleles (0.01%); highest among the groups gnomAD compares: Middle Eastern, 0.049%; 1 homozygote.

Submissions (3):

CeGaT Center for Human Genetics Tuebingen
Classification: Likely benign. Last evaluated: 2026-04-01. Review status: criteria provided, single submitter. Criteria: CeGaT Center For Human Genetics Tuebingen Variant Classification Criteria Version 2. Collection method: clinical testing. Allele origin: germline. Affected: yes. Observed: 1 variant allele.
Comment: LAMA1: BP4, BP7

Labcorp Genetics (formerly Invitae), Labcorp
Classification: Likely benign. Last evaluated: 2025-09-16. Review status: criteria provided, single submitter. Criteria: Invitae Variant Classification Sherloc (09022015). Collection method: clinical testing. Allele origin: germline.

Blueprint Genetics
Classification: Likely benign. Last evaluated: 2024-08-06. Review status: criteria provided, single submitter. Criteria: ACMG Guidelines, 2015. Collection method: clinical testing. Allele origin: germline.

NM_005559.4(LAMA1):c.2736C>T (p.Ala912=)

Gene: LAMA1 (laminin subunit alpha 1; minus strand). Cytogenetic location: 18p11.31.
Variant type: single nucleotide variant.
Coding change: c.2736C>T on transcript NM_005559.4 (MANE Select); coding-DNA position 2736, C replaced by T.
Protein change: p.Ala912=; no amino-acid change (alanine 912 retained).
Molecular consequence: synonymous variant.
Genome position (GRCh38, 1-based): chr18:7,017,350, G>A on the plus strand (C>T on the coding strand, the complement: LAMA1 is on the minus strand). VCF-style: chr18-7017350-G-A. GRCh37 (hg19) VCF-style: chr18-7017349-G-A.
Identifiers: ClinVar variation 1643128 (VCV001643128.11), dbSNP rs147940620, ClinGen allele CA8882544.